The following is an entry in ClinVar:

NM_177438.3(DICER1):c.2805-15G>T

Gene: DICER1 (dicer 1, ribonuclease III; minus strand). Cytogenetic location: 14q32.13.
Variant type: single nucleotide variant.
Coding change: c.2805-15G>T on transcript NM_177438.3 (MANE Select); 15 bases into the intron before coding-DNA position 2805, G replaced by T.
Molecular consequence: intron variant.
Genome position (GRCh38, 1-based): chr14:95,106,238, C>A on the plus strand (G>T on the coding strand, the complement: DICER1 is on the minus strand). VCF-style: chr14-95106238-C-A. GRCh37 (hg19) VCF-style: chr14-95572575-C-A.
Other names: c.2400-15G>T (NM_001395696.1, NM_001395690.1, NM_001395687.1 and 2 more transcripts); c.2805-15G>T (NM_001395693.1, NM_001395695.1, NM_001395692.1 and 12 more transcripts); c.2523-15G>T (NM_001395686.1); c.2238-15G>T (NM_001395691.1); c.1122-15G>T (NM_001395697.1).
Identifiers: ClinVar variation 5042479 (VCV005042479.1).

ClinVar aggregate classification (germline): Likely benign (1 of 4 stars; one submission).

Conditions:
DICER1-related tumor predisposition. Also called: DICER1-related pleuropulmonary blastoma cancer predisposition syndrome; DICER1 syndrome. Identifiers: Orphanet 284343, MedGen C3839822, MONDO:0100216.

Submission:

Myriad Genetics, Inc.
Classification: Likely benign for DICER1-related tumor predisposition. Last evaluated: 2026-08-17. Review status: criteria provided, single submitter. Criteria: Myriad Autosomal Dominant, Autosomal Recessive and X-Linked Classification Criteria (2023). Collection method: clinical testing. Allele origin: unknown.
Comment: This variant is considered likely benign. This variant is intronic and is not expected to impact mRNA splicing.